The following is an entry in ClinVar:

NM_017654.4(SAMD9):c.1349G>C (p.Gly450Ala)

Gene: SAMD9 (sterile alpha motif domain containing 9; minus strand). Cytogenetic location: 7q21.2.
Variant type: single nucleotide variant.
Coding change: c.1349G>C on transcript NM_017654.4 (MANE Select); coding-DNA position 1349, G replaced by C.
Protein change: p.Gly450Ala; replaces glycine 450 with alanine.
Molecular consequence: missense variant.
Genome position (GRCh38, 1-based): chr7:93,104,749, C>G on the plus strand (G>C on the coding strand, the complement: SAMD9 is on the minus strand). VCF-style: chr7-93104749-C-G. GRCh37 (hg19) VCF-style: chr7-92734062-C-G.
Other names: c.1349G>C, p.Gly450Ala (NM_001193307.2); short protein forms G450A.
Identifiers: ClinVar variation 3688524 (VCV003688524.2).
Genomic context (GRCh38, chr7:93,104,749, plus strand): 5'-ACATATACACTTGGAAAGTGAAGGTTTGCTACTCGGCTTTCTTTGTAAGCTTTGACCACT[C>G]CATTGATGTTAGACTCAGGATCAAACTCCAATACAGCAAACCATTTAATTTCCTTCAGGA-3'
Protein context (NP_060124.2, residues 440-460): LEFDPESNIN[Gly450Ala]VVKAYKESRV

ClinVar aggregate classification (germline): Uncertain significance (1 of 4 stars; one submission).

Submission:

Labcorp Genetics (formerly Invitae), Labcorp
Classification: Uncertain significance. Last evaluated: 2024-02-10. Review status: criteria provided, single submitter. Criteria: Invitae Variant Classification Sherloc (09022015). Collection method: clinical testing. Allele origin: germline.
Comment: This sequence change replaces glycine, which is neutral and non-polar, with alanine, which is neutral and non-polar, at codon 450 of the SAMD9 protein (p.Gly450Ala). This variant is not present in population databases (gnomAD no frequency). This variant has not been reported in the literature in individuals affected with SAMD9-related conditions. Advanced modeling of protein sequence and biophysical properties (such as structural, functional, and spatial information, amino acid conservation, physicochemical variation, residue mobility, and thermodynamic stability) has been performed at Invitae for this missense variant, however the output from this modeling did not meet the statistical confidence thresholds required to predict the impact of this variant on SAMD9 protein function. In summary, the available evidence is currently insufficient to determine the role of this variant in disease. Therefore, it has been classified as a Variant of Uncertain Significance.